The following is an entry in ClinVar:

NM_005245.4(FAT1):c.7645T>C (p.Phe2549Leu)

Gene: FAT1 (FAT atypical cadherin 1; minus strand). Cytogenetic location: 4q35.2.
Variant type: single nucleotide variant.
Coding change: c.7645T>C on transcript NM_005245.4 (MANE Select); coding-DNA position 7645, T replaced by C.
Protein change: p.Phe2549Leu; replaces phenylalanine 2549 with leucine.
Molecular consequence: missense variant.
Genome position (GRCh38, 1-based): chr4:186,618,941, A>G on the plus strand (T>C on the coding strand, the complement: FAT1 is on the minus strand). VCF-style: chr4-186618941-A-G. GRCh37 (hg19) VCF-style: chr4-187540095-A-G.
Other names: short protein forms F2549L.
Identifiers: ClinVar variation 2040813 (VCV002040813.5), dbSNP rs183730071, ClinGen allele CA3166028.

ClinVar aggregate classification (germline): Uncertain significance. Review status: criteria provided, multiple submitters, no conflicts (2 of 4 stars). 2 submissions from 2 submitters: Uncertain significance (2). Last evaluated 2025-09-03.

Conditions:
Inborn genetic diseases. Identifiers: MedGen C0950123, MeSH D030342.

Allele frequency attached by ClinVar (database versions not stated): ESP Exome Variant Server 0.00008; gnomAD 0.00021; ExAC 0.00022; gnomAD exomes 0.00023; TOPMed 0.00030; 1000 Genomes Project 30x 0.00031; 1000 Genomes Project 0.00040.
gnomAD v4.1: 402 of 1,613,920 alleles (0.025%); highest among the groups gnomAD compares: Middle Eastern, 0.099%; 1 homozygote.

Submissions (2):

Labcorp Genetics (formerly Invitae), Labcorp
Classification: Uncertain significance. Last evaluated: 2025-09-03. Review status: criteria provided, single submitter. Criteria: Invitae Variant Classification Sherloc (09022015). Collection method: clinical testing. Allele origin: germline.
Comment: This sequence change replaces phenylalanine, which is neutral and non-polar, with leucine, which is neutral and non-polar, at codon 2549 of the FAT1 protein (p.Phe2549Leu). This variant is present in population databases (rs183730071, gnomAD 0.06%). This variant has not been reported in the literature in individuals affected with FAT1-related conditions. ClinVar contains an entry for this variant (Variation ID: 2040813). Invitae Evidence Modeling of protein sequence and biophysical properties (such as structural, functional, and spatial information, amino acid conservation, physicochemical variation, residue mobility, and thermodynamic stability) indicates that this missense variant is not expected to disrupt FAT1 protein function with a negative predictive value of 80%. In summary, the available evidence is currently insufficient to determine the role of this variant in disease. Therefore, it has been classified as a Variant of Uncertain Significance.

Ambry Genetics
Classification: Uncertain significance for Inborn genetic diseases. Last evaluated: 2024-10-29. Review status: criteria provided, single submitter. Criteria: Ambry Variant Classification Scheme 2023. Collection method: clinical testing. Allele origin: germline.